The following is an entry in ClinVar:

NM_006767.4(LZTR1):c.2321T>A (p.Leu774Gln)

Gene: LZTR1 (leucine zipper like post translational regulator 1; plus strand). Cytogenetic location: 22q11.21.
Variant type: single nucleotide variant.
Coding change: c.2321T>A on transcript NM_006767.4 (MANE Select); coding-DNA position 2321, T replaced by A.
Protein change: p.Leu774Gln; replaces leucine 774 with glutamine.
Molecular consequence: missense variant.
Genome position (GRCh38, 1-based): chr22:20,996,797, T>A. VCF-style: chr22-20996797-T-A. GRCh37 (hg19) VCF-style: chr22-21351086-T-A.
Other names: c.2321T>A (NM_006767.3); short protein forms L774Q.
Identifiers: ClinVar variation 3241872 (VCV003241872.2), dbSNP rs2518625841.

ClinVar aggregate classification (germline): Uncertain significance. Review status: criteria provided, multiple submitters, no conflicts (2 of 4 stars). 2 submissions from 2 submitters: Uncertain significance (2). Last evaluated 2025-12-12.

Conditions:
Hereditary cancer-predisposing syndrome. Also called: Neoplastic Syndromes, Hereditary; Tumor predisposition; Hereditary neoplastic syndrome; Hereditary Cancer Syndrome. Identifiers: Orphanet 140162, MedGen C0027672, MeSH D009386, MONDO:0015356.
Cardiovascular phenotype. Identifiers: MedGen CN230736.
LZTR1-related schwannomatosis. Also called: Schwannomatosis 2; Schwannomatosis-2, susceptibility to. Identifiers: Orphanet 93921, MedGen C3810283, MONDO:0014299, OMIM 615670.

Submissions (2):

Ambry Genetics
Classification: Uncertain significance for Cardiovascular phenotype; Hereditary cancer-predisposing syndrome. Last evaluated: 2025-12-12. Review status: criteria provided, single submitter. Criteria: Ambry Variant Classification Scheme 2023. Collection method: clinical testing. Allele origin: germline.
Comment: The p.L774Q variant (also known as c.2321T>A), located in coding exon 19 of the LZTR1 gene, results from a T to A substitution at nucleotide position 2321. The leucine at codon 774 is replaced by glutamine, an amino acid with dissimilar properties. This amino acid position is conserved. In addition, this alteration is predicted to be deleterious by in silico analysis. Based on the available evidence, the clinical significance of this variant remains unclear.

Baylor Genetics
Classification: Uncertain significance for LZTR1-related schwannomatosis. Last evaluated: 2023-11-18. Review status: criteria provided, single submitter. Criteria: ACMG Guidelines, 2015. Collection method: clinical testing. Allele origin: unknown.